The following is an entry in ClinVar:

NM_000092.5(COL4A4):c.999dup (p.Pro334fs)

Gene: COL4A4 (collagen type IV alpha 4 chain; minus strand). Cytogenetic location: 2q36.3.
Variant type: Duplication.
Coding change: c.999dup on transcript NM_000092.5 (MANE Select); coding-DNA position 999, one base duplicated (T; older notation c.999dupT).
Protein change: p.Pro334fs; shifts the reading frame from proline 334.
Molecular consequence: frameshift variant.
Genome position (GRCh38, 1-based): chr2:227,101,534, A duplicated on the plus strand (T on the coding strand, the reverse complement: COL4A4 is on the minus strand). VCF-style (leftmost placement, unchanged base first): chr2-227101533-G-GA. GRCh37 (hg19) VCF-style: chr2-227966249-G-GA.
Other names: short protein forms P334fs.
Identifiers: ClinVar variation 1453686 (VCV001453686.6), dbSNP rs760803010, ClinGen allele CA2145317.

ClinVar aggregate classification (germline): Pathogenic (1 of 4 stars; one submission).

Allele frequency attached by ClinVar (database versions not stated): gnomAD exomes below 0.00001; ExAC 0.00001.

Submission:

Labcorp Genetics (formerly Invitae), Labcorp
Classification: Pathogenic. Last evaluated: 2021-05-05. Review status: criteria provided, single submitter. Criteria: Invitae Variant Classification Sherloc (09022015). Collection method: clinical testing. Allele origin: germline.
Comment: For these reasons, this variant has been classified as Pathogenic. This variant has not been reported in the literature in individuals with COL4A4-related conditions. This variant is present in population databases (rs760803010, ExAC 0.007%). This sequence change creates a premature translational stop signal (p.Pro334Serfs*96) in the COL4A4 gene. It is expected to result in an absent or disrupted protein product. Loss-of-function variants in COL4A4 are known to be pathogenic (PMID: 21196518, 24854265, 25307543).

Literature cited by the submitters: PubMed 21196518; PubMed 24854265; PubMed 25307543.